The following is an entry in ClinVar:

ClinVar aggregate classification (germline): Likely pathogenic (1 of 4 stars; one submission).

Submission:

Dasa
Classification: Likely pathogenic. Last evaluated: 2025-08-04. Review status: criteria provided, single submitter. Criteria: DASA Assertion Criteria. Collection method: clinical testing. Allele origin: germline.
Comment: NM_181789.4(GLDN):c.19G>T (p.Gly7*) is a nonsense variant in GLDN predicted to introduce a premature termination codon and is predicted to result in an absent or altered protein product. Loss of function is an established disease mechanism for GLDN-associated disorders. Also, this variant is rare in population databases. Based on the currently available evidence, this variant is classified as likely pathogenic.

NM_181789.4(GLDN):c.19G>T (p.Gly7Ter)

Gene: GLDN (gliomedin; plus strand). Cytogenetic location: 15q21.2.
Variant type: single nucleotide variant.
Coding change: c.19G>T on transcript NM_181789.4 (MANE Select); coding-DNA position 19, G replaced by T.
Protein change: p.Gly7Ter; replaces glycine 7 with a stop codon.
Molecular consequence: nonsense.
Genome position (GRCh38, 1-based): chr15:51,341,703, G>T. VCF-style: chr15-51341703-G-T. GRCh37 (hg19) VCF-style: chr15-51633900-G-T.
Other names: short protein forms G7*.
Identifiers: ClinVar variation 4886230 (VCV004886230.2).
Genomic context (GRCh38, chr15:51,341,703, plus strand): 5'-CCGCAGGCTGCCAAGCCCTGCCCTGCCCAAGGCGCATAGAGCATGGCCCGAGGCGCTGAG[G>T]GAGGCCGTGGGGACGCGGGTTGGGGCCTGCGTGGCGCCCTGGCGGCCGTGGCGCTGCTCT-3'